The following is an entry in ClinVar:

ClinVar aggregate classification (germline): Uncertain significance (1 of 4 stars; one submission).

gnomAD v4.1: 1 of 1,614,090 alleles (0.000062%); highest among the groups gnomAD compares: Non-Finnish European, 0.000085%; no homozygotes.

Submission:

GeneDx
Classification: Uncertain significance. Last evaluated: 2025-01-05. Review status: criteria provided, single submitter. Criteria: GeneDx Variant Classification Process June 2021. Collection method: clinical testing. Allele origin: germline. Affected: yes.
Comment: Not observed at significant frequency in large population cohorts (gnomAD); In silico analysis supports that this missense variant has a deleterious effect on protein structure/function; Has not been previously published as pathogenic or benign to our knowledge

NM_020987.5(ANK3):c.12840G>C (p.Lys4280Asn)

Gene: ANK3 (ankyrin 3; minus strand). Cytogenetic location: 10q21.2.
Variant type: single nucleotide variant.
Coding change: c.12840G>C on transcript NM_020987.5 (MANE Select); coding-DNA position 12840, G replaced by C.
Protein change: p.Lys4280Asn; replaces lysine 4280 with asparagine.
Molecular consequence: missense variant.
Genome position (GRCh38, 1-based): chr10:60,055,883, C>G on the plus strand (G>C on the coding strand, the complement: ANK3 is on the minus strand). VCF-style: chr10-60055883-C-G. GRCh37 (hg19) VCF-style: chr10-61815641-C-G.
Other names: c.2712G>C, p.Lys904Asn (NM_001149.4); c.5292G>C, p.Lys1764Asn (NM_001204403.2); c.5313G>C, p.Lys1771Asn (NM_001204404.2); c.5310G>C, p.Lys1770Asn (NM_001320874.2); short protein forms K1764N, K1770N, K1771N, K4280N, K904N.
Identifiers: ClinVar variation 4056920 (VCV004056920.1).